The following is an entry in ClinVar:

NM_000038.6(APC):c.4308T>G (p.Ser1436Arg)

Gene: APC (APC regulator of Wnt signaling pathway; plus strand). Cytogenetic location: 5q22.2.
Variant type: single nucleotide variant.
Coding change: c.4308T>G on transcript NM_000038.6 (MANE Select); coding-DNA position 4308, T replaced by G.
Protein change: p.Ser1436Arg; replaces serine 1436 with arginine.
Molecular consequence: missense variant.
Genome position (GRCh38, 1-based): chr5:112,839,902, T>G. VCF-style: chr5-112839902-T-G. GRCh37 (hg19) VCF-style: chr5-112175599-T-G.
Other names: c.4308T>G, p.Ser1436Arg (NM_001127510.3, NM_001354895.2); c.4254T>G, p.Ser1418Arg (NM_001127511.3); c.4362T>G, p.Ser1454Arg (NM_001354896.2); c.4338T>G, p.Ser1446Arg (NM_001354897.2); c.4233T>G, p.Ser1411Arg (NM_001354898.2); c.4224T>G, p.Ser1408Arg (NM_001354899.2); c.4185T>G, p.Ser1395Arg (NM_001354900.2); c.4131T>G, p.Ser1377Arg (NM_001354901.2); and 5 more; short protein forms S1408R, S1446R, S1454R, S1153R, S1377R, S1395R, S1436R, S1310R.
Identifiers: ClinVar variation 1044481 (VCV001044481.10), dbSNP rs1765646568, ClinGen allele CA16030775.
Genomic context (GRCh38, chr5:112,839,902, plus strand): 5'-CATTATAAGCCCCAGTGATCTTCCAGATAGCCCTGGACAAACCATGCCACCAAGCAGAAG[T>G]AAAACACCTCCACCACCTCCTCAAACAGCTCAAACCAAGCGAGAAGTACCTAAAAATAAA-3'
Protein context (NP_000029.2, residues 1426-1446): SPGQTMPPSR[Ser1436Arg]KTPPPPPQTA

ClinVar aggregate classification (germline): Uncertain significance (1 of 4 stars; one submission).

Conditions:
Familial adenomatous polyposis 1 (FAP1). Also called: POLYPOSIS, ADENOMATOUS INTESTINAL; FAMILIAL ADENOMATOUS POLYPOSIS 1, ATTENUATED. Identifiers: MedGen C2713442, MONDO:0021056, OMIM 175100. Disease mechanism: loss of function.

Submission:

Labcorp Genetics (formerly Invitae), Labcorp
Classification: Uncertain significance for Familial adenomatous polyposis 1. Last evaluated: 2020-03-11. Review status: criteria provided, single submitter. Criteria: Invitae Variant Classification Sherloc (09022015). Collection method: clinical testing. Allele origin: germline.
Comment: In summary, the available evidence is currently insufficient to determine the role of this variant in disease. Therefore, it has been classified as a Variant of Uncertain Significance. Algorithms developed to predict the effect of missense changes on protein structure and function (SIFT, PolyPhen-2, Align-GVGD) all suggest that this variant is likely to be disruptive, but these predictions have not been confirmed by published functional studies and their clinical significance is uncertain. This variant has not been reported in the literature in individuals with APC-related conditions. This variant is not present in population databases (ExAC no frequency). This sequence change replaces serine with arginine at codon 1436 of the APC protein (p.Ser1436Arg). The serine residue is highly conserved and there is a moderate physicochemical difference between serine and arginine.